The following is an entry in ClinVar:

ClinVar aggregate classification (germline): Likely pathogenic. Review status: criteria provided, single submitter (1 of 4 stars). 2 submissions from 2 submitters: Likely pathogenic (1). 1 of the submissions does not count toward it. Last evaluated 2025-04-09.

Conditions:
SLC14A1-related disorder. Also called: SLC14A1-related condition.
Jk-null variant.

Allele frequency attached by ClinVar (database versions not stated): TOPMed 0.00049; ExAC 0.00070; 1000 Genomes Project 30x 0.00078; ESP Exome Variant Server 0.00008; gnomAD exomes 0.00014 and 0.00082; gnomAD 0.00043 and 0.00044; 1000 Genomes Project 0.00100.
gnomAD v4.1: 388 of 1,613,980 alleles (0.024%); highest among the groups gnomAD compares: East Asian, 0.53%; 7 homozygotes.

Submissions (3):

PreventionGenetics, part of Exact Sciences
Classification: Likely pathogenic for SLC14A1-related condition. Last evaluated: 2025-04-09. Review status: criteria provided, single submitter. Criteria: ACMG Guidelines, 2015. Collection method: clinical testing. Allele origin: germline.
Comment: The SLC14A1 c.342-1G>A variant is predicted to disrupt the AG splice acceptor site and interfere with normal splicing. This variant is predicted to disrupt the consensus AG splice-acceptor site in SLC14A1 near the intron 4 – exon 5 boundary and has been reported in affected individuals (Lucien et al. 1998. PubMed ID: 9582331; Hou et al. 2020. PubMed ID: 31980526). SLC14A1 encodes a urea transporter that is found in the kidney and on red blood cells. The blood type Jk-null is defined by a loss of the SLC14A1 protein on red blood cells. The Jk-null blood type is not defined by any obvious clinical presentation, but patients may have a urine concentration defect (Sands et al. 1992. PubMed ID: 1498276). Patients with two deleterious variants in a trans configuration may have the Jk-null phenotype and could develop alloantibodies against the Jk antigen during pregnancy or after transfusion with Jk+ red blood cells that may cause hemolysis (Lucien et al. 2002. PubMed ID: 11807016). This variant is reported in 1.1% of alleles in individuals of East Asian descent in gnomAD. Variants that disrupt the consensus splice acceptor site in SLC14A1 are expected to be pathogenic. This variant is interpreted as likely pathogenic.

OMIM
Classification: Pathogenic for JK-NULL VARIANT. Last evaluated: 1998-05-22. Review status: no assertion criteria provided. Collection method: literature only. Allele origin: germline. Not counted in ClinVar's aggregate classification.

Dr. Peter K. Rogan Lab, Western University
No classification provided (evidence only). Condition: Malignant lymphoma, large B-cell, diffuse. Review status: no classification provided. Collection method: in vitro. Allele origin: not applicable. Functional consequence: skipped exon. Not counted in ClinVar's aggregate classification.

Literature cited by the submitters: PubMed 9582331 (cited by OMIM).

NM_015865.7(SLC14A1):c.342-1G>A

Gene: SLC14A1 (solute carrier family 14 member 1 (Kidd blood group); plus strand). Cytogenetic location: 18q12.3.
Variant type: single nucleotide variant.
Coding change: c.342-1G>A on transcript NM_015865.7 (MANE Select); the canonical splice acceptor site of the intron before coding-DNA position 342, G replaced by A.
Molecular consequence: splice acceptor variant.
Genome position (GRCh38, 1-based): chr18:45,734,273, G>A. VCF-style: chr18-45734273-G-A. GRCh37 (hg19) VCF-style: chr18-43314238-G-A.
Other names: NC_000018.9:g.43314238G>A; IVS5AS, G-A, -1; c.342-1G>A (NM_015865.6, NM_001146036.3); c.510-1G>A (NM_001128588.4, NM_001146037.1); c.27-1G>A (NM_001308278.2); c.-55-1G>A (NM_001308279.2).
Identifiers: ClinVar variation 17718 (VCV000017718.4), dbSNP rs78937798, ClinGen allele CA8947345.